The following is an entry in ClinVar:

NM_000051.4(ATM):c.5762+10T>C

Gene: ATM (ATM serine/threonine kinase; plus strand). Cytogenetic location: 11q22.3.
Variant type: single nucleotide variant.
Coding change: c.5762+10T>C on transcript NM_000051.4 (MANE Select); 10 bases into the intron after coding-DNA position 5762, T replaced by C.
Molecular consequence: intron variant.
Genome position (GRCh38, 1-based): chr11:108,307,994, T>C. VCF-style: chr11-108307994-T-C. GRCh37 (hg19) VCF-style: chr11-108178721-T-C.
Other names: c.5762+10T>C (NM_001351834.2).
Identifiers: ClinVar variation 524477 (VCV000524477.9), dbSNP rs1276744102, ClinGen allele CA601723528.

ClinVar aggregate classification (germline): Likely benign. Review status: criteria provided, multiple submitters, no conflicts (2 of 4 stars). 2 submissions from 2 submitters: Likely benign (2). Last evaluated 2025-06-25.

Conditions:
Familial cancer of breast. Also called: hereditary breast carcinoma; BREAST CANCER, FAMILIAL; Hereditary breast cancer. Identifiers: Orphanet 227535, MedGen C0346153, MONDO:0016419, OMIM 114480. Disease mechanism: loss of function.
Ataxia-telangiectasia syndrome (AT). Also called: ATAXIA-TELANGIECTASIA, COMPLEMENTATION GROUP A; ATAXIA-TELANGIECTASIA, FRESNO VARIANT; Ataxia-telangiectasia; Ataxia-telangiectasia, complementation group D; AT, COMPLEMENTATION GROUP C; Ataxia-telangiectasia, complementation group E. Identifiers: Orphanet 100, MedGen C0004135, MONDO:0008840, OMIM 208900.

Allele frequency attached by ClinVar (database versions not stated): gnomAD exomes below 0.00001.
gnomAD v4.1: 3 of 1,596,530 alleles (0.00019%); highest among the groups gnomAD compares: Non-Finnish European, 0.00026%; no homozygotes.

Submissions (2):

Labcorp Genetics (formerly Invitae), Labcorp
Classification: Likely benign for Ataxia-telangiectasia syndrome. Last evaluated: 2025-06-25. Review status: criteria provided, single submitter. Criteria: Invitae Variant Classification Sherloc (09022015). Collection method: clinical testing. Allele origin: germline.

Myriad Genetics, Inc.
Classification: Likely benign for Familial cancer of breast. Last evaluated: 2024-05-24. Review status: criteria provided, single submitter. Criteria: Myriad Autosomal Dominant, Autosomal Recessive and X-Linked Classification Criteria (2023). Collection method: clinical testing. Allele origin: unknown.
Comment: This variant is considered likely benign. This variant is intronic and is not expected to impact mRNA splicing.